The following is an entry in ClinVar:

ClinVar aggregate classification (germline): Uncertain significance (1 of 4 stars; one submission).

Conditions:
Epileptic encephalopathy. Identifiers: MedGen C0543888, HP:0200134.

Allele frequency attached by ClinVar (database versions not stated): TOPMed below 0.00001; gnomAD exomes 0.00001; ExAC 0.00002; gnomAD 0.00003; 1000 Genomes Project 0.00040; 1000 Genomes Project 30x 0.00047.
gnomAD v4.1: 16 of 1,612,660 alleles (0.00099%); highest among the groups gnomAD compares: Admixed American, 0.0083%; no homozygotes.

Submission:

Labcorp Genetics (formerly Invitae), Labcorp
Classification: Uncertain significance for Epileptic encephalopathy. Last evaluated: 2023-06-14. Review status: criteria provided, single submitter. Criteria: Invitae Variant Classification Sherloc (09022015). Collection method: clinical testing. Allele origin: germline.
Comment: In summary, the available evidence is currently insufficient to determine the role of this variant in disease. Therefore, it has been classified as a Variant of Uncertain Significance. Algorithms developed to predict the effect of sequence changes on RNA splicing suggest that this variant may create or strengthen a splice site. This variant has not been reported in the literature in individuals affected with FASN-related conditions. This variant is present in population databases (rs189214777, gnomAD 0.006%). This sequence change falls in intron 31 of the FASN gene. It does not directly change the encoded amino acid sequence of the FASN protein.

NM_004104.5(FASN):c.5342-15G>A

Gene: FASN (fatty acid synthase; minus strand). Cytogenetic location: 17q25.3.
Variant type: single nucleotide variant.
Coding change: c.5342-15G>A on transcript NM_004104.5 (MANE Select); 15 bases into the intron before coding-DNA position 5342, G replaced by A.
Molecular consequence: intron variant.
Genome position (GRCh38, 1-based): chr17:82,083,440, C>T on the plus strand (G>A on the coding strand, the complement: FASN is on the minus strand). VCF-style: chr17-82083440-C-T. GRCh37 (hg19) VCF-style: chr17-80041316-C-T.
Identifiers: ClinVar variation 2726346 (VCV002726346.3), dbSNP rs189214777, ClinGen allele CA8851720.
Genomic context (GRCh38, chr17:82,083,440, plus strand): 5'-AGTAGGACCCCGTGGAATGTCACGTTCTTCAGGAAGATAGCCATGCCTGCGGGCAGGGGC[C>T]GTGCTCACCCAGGGCCTTCCACAGGTCCACCCACACCCATCCATGCCCACCCCCGCCCAG-3'